The following is an entry in ClinVar:

NM_000593.6(TAP1):c.-34G>A

Gene: TAP1 (transporter 1, ATP binding cassette subfamily B member; minus strand). Cytogenetic location: 6p21.32.
Variant type: single nucleotide variant.
Coding change: c.-34G>A on transcript NM_000593.6 (MANE Select); 34 bases upstream of the start codon, G replaced by A.
Molecular consequence: 5 prime UTR variant.
Genome position (GRCh38, 1-based): chr6:32,853,670, C>T on the plus strand (G>A on the coding strand, the complement: TAP1 is on the minus strand). VCF-style: chr6-32853670-C-T. GRCh37 (hg19) VCF-style: chr6-32821447-C-T.
Identifiers: ClinVar variation 403506 (VCV000403506.13), dbSNP rs2071536, ClinGen allele CA3747094.
Genomic context (GRCh38, chr6:32,853,670, plus strand): 5'-GGGAGCGGGACACCTAGAGCTAGCCATTGGCACTCGGACGCCGTCCCGGTCCCGGCCGGG[C>T]CTGGGACTCTCCGCGCCCCGGTGGGGCCTGAAGCTCCGGGTACCGCCGAGTCCTCCCCTA-3'

ClinVar aggregate classification (germline): Benign. Review status: criteria provided, multiple submitters, no conflicts (2 of 4 stars). 2 submissions from 2 submitters: Benign (2). Last evaluated 2026-02-04.

Conditions:
MHC class I deficiency. Identifiers: Orphanet 34592, MedGen C6024714, MONDO:0011476.

Allele frequency attached by ClinVar (database versions not stated): 1000 Genomes Project 0.08846; gnomAD exomes 0.11024 and 0.09862; gnomAD 0.08430 and 0.08168; 1000 Genomes Project 30x 0.08635; TOPMed 0.07680; ESP Exome Variant Server 0.08092; ExAC 0.14523.
gnomAD v4.1: 171,189 of 1,592,482 alleles (11%); highest among the groups gnomAD compares: South Asian, 13%; 9,843 homozygotes.

Submissions (2):

Labcorp Genetics (formerly Invitae), Labcorp
Classification: Benign for MHC class I deficiency 1. Last evaluated: 2026-02-04. Review status: criteria provided, single submitter. Criteria: Invitae Variant Classification Sherloc (09022015). Collection method: clinical testing. Allele origin: germline.

Laboratory for Molecular Medicine, Mass General Brigham Personalized Medicine
Classification: Benign. Last evaluated: 2016-03-28. Review status: criteria provided, single submitter. Criteria: LMM Criteria. Collection method: clinical testing. Allele origin: germline.
Comment: Variant identified in a genome or exome case(s) and assessed due to predicted null impact of the variant or pathogenic assertions in the literature or databases. Disclaimer: This variant has not undergone full assessment. The following are preliminary notes: Frequency